The following is an entry in ClinVar:

NM_001330723.2(SNX27):c.882C>A (p.Asn294Lys)

Gene: SNX27 (sorting nexin 27; plus strand). Cytogenetic location: 1q21.3.
Variant type: single nucleotide variant.
Coding change: c.882C>A on transcript NM_001330723.2 (MANE Select); coding-DNA position 882, C replaced by A.
Protein change: p.Asn294Lys; replaces asparagine 294 with lysine.
Molecular consequence: missense variant.
Genome position (GRCh38, 1-based): chr1:151,662,246, C>A. VCF-style: chr1-151662246-C-A. GRCh37 (hg19) VCF-style: chr1-151634722-C-A.
Other names: c.882C>A, p.Asn294Lys (NM_030918.6); short protein forms N294K.
Identifiers: ClinVar variation 2007325 (VCV002007325.4), dbSNP rs2525005521, ClinGen allele CA341962198.
Genomic context (GRCh38, chr1:151,662,246, plus strand): 5'-CGTAGAGCTGAGAGTAGCATTACCAGATGGAACAACGGTTACAGTCAGGGTTAAAAAGAA[C>A]AGTACTACAGACCAAGTATATCAGGTAAATTAAATGAACACGTAGACTTGACATTGGATG-3'
Protein context (NP_001317652.1, residues 284-304): GTTVTVRVKK[Asn294Lys]STTDQVYQAI

ClinVar aggregate classification (germline): Uncertain significance (1 of 4 stars; one submission).

Conditions:
Severe myoclonic epilepsy in infancy (DRVT). Also called: SEVERE MYOCLONIC EPILEPSY OF INFANCY; DEVELOPMENTAL AND EPILEPTIC ENCEPHALOPATHY 6A; Epileptic encephalopathy, early infantile, 6 (Dravet syndrome); Dravet syndrome; Severe Myoclonic Epilepsy in Infancy (SMEI). Identifiers: Orphanet 33069, MedGen C0751122, MONDO:0100135, OMIM 607208.

Submission:

Labcorp Genetics (formerly Invitae), Labcorp
Classification: Uncertain significance for Severe myoclonic epilepsy in infancy. Last evaluated: 2022-06-15. Review status: criteria provided, single submitter. Criteria: Invitae Variant Classification Sherloc (09022015). Collection method: clinical testing. Allele origin: germline.
Comment: In summary, the available evidence is currently insufficient to determine the role of this variant in disease. Therefore, it has been classified as a Variant of Uncertain Significance. Algorithms developed to predict the effect of missense changes on protein structure and function are either unavailable or do not agree on the potential impact of this missense change (SIFT: "Deleterious"; PolyPhen-2: "Benign"; Align-GVGD: "Class C65"). This variant has not been reported in the literature in individuals affected with SNX27-related conditions. This variant is not present in population databases (gnomAD no frequency). This sequence change replaces asparagine, which is neutral and polar, with lysine, which is basic and polar, at codon 294 of the SNX27 protein (p.Asn294Lys).